The following is an entry in ClinVar:

NM_000154.2(GALK1):c.808_809delinsA (p.Val270fs)

Gene: GALK1 (galactokinase 1; minus strand). Cytogenetic location: 17q25.1.
Variant type: Indel.
Coding change: c.808_809delinsA on transcript NM_000154.2 (MANE Select); coding-DNA positions 808 to 809, GT replaced by A.
Protein change: p.Val270fs; shifts the reading frame from valine 270.
Molecular consequence: frameshift variant.
Genome position (GRCh38, 1-based): chr17:75,758,584-75,758,585, AC replaced by T on the plus strand (GT replaced by A on the coding strand, the reverse complement: GALK1 is on the minus strand). VCF-style: chr17-75758584-AC-T. GRCh37 (hg19) VCF-style: chr17-73754665-AC-T.
Other names: c.808_809delinsA, p.Val270fs (NM_001381985.1); short protein forms V270fs.
Identifiers: ClinVar variation 1726052 (VCV001726052.2), dbSNP rs2545900373, ClinGen allele CA2580095166.

ClinVar aggregate classification (germline): Likely pathogenic (1 of 4 stars; one submission).

Conditions:
Deficiency of galactokinase. Also called: GALACTOSEMIA II; Galactokinase deficiency with cataracts. Identifiers: Orphanet 352, Orphanet 79237, MedGen C0268155, MONDO:0009255, OMIM 230200.

Submission:

Myriad Genetics, Inc.
Classification: Likely pathogenic for Deficiency of galactokinase. Last evaluated: 2022-05-14. Review status: criteria provided, single submitter. Criteria: Myriad Women's Health Autosomal Recessive and X-Linked Classification Criteria (2021). Collection method: clinical testing. Allele origin: unknown.
Comment: NM_000154.1(GALK1):c.808_809delGTinsA(V270Rfs*26) is expected to be pathogenic in the context of galactokinase deficiency. This variant is predicted to lead to an abnormal or absent protein product due to the creation of a premature termination codon in GALK1, a gene where loss-of-function variants are known to be pathogenic. Please note: this variant was assessed in the context of healthy population screening.